The following is an entry in ClinVar:

NM_177438.3(DICER1):c.901C>G (p.Gln301Glu)

Gene: DICER1 (dicer 1, ribonuclease III; minus strand). Cytogenetic location: 14q32.13.
Variant type: single nucleotide variant.
Coding change: c.901C>G on transcript NM_177438.3 (MANE Select); coding-DNA position 901, C replaced by G.
Protein change: p.Gln301Glu; replaces glutamine 301 with glutamic acid.
Molecular consequence: missense variant.
Genome position (GRCh38, 1-based): chr14:95,126,582, G>C on the plus strand (C>G on the coding strand, the complement: DICER1 is on the minus strand). VCF-style: chr14-95126582-G-C. GRCh37 (hg19) VCF-style: chr14-95592919-G-C.
Other names: c.901C>G, p.Gln301Glu (NM_001195573.1, NM_001271282.3, NM_001291628.2 and 1 more transcripts); short protein forms Q301E.
Identifiers: ClinVar variation 1366295 (VCV001366295.9), dbSNP rs781144010, ClinGen allele CA7331559.

ClinVar aggregate classification (germline): Uncertain significance (1 of 4 stars; one submission).

Conditions:
DICER1-related tumor predisposition. Also called: DICER1-related pleuropulmonary blastoma cancer predisposition syndrome; DICER1 syndrome. Identifiers: Orphanet 284343, MedGen C3839822, MONDO:0100216.

Allele frequency attached by ClinVar (database versions not stated): gnomAD exomes below 0.00001 and 0.00002; gnomAD 0.00001; ExAC 0.00002.
gnomAD v4.1: 6 of 1,499,240 alleles (0.0004%); no homozygotes.

Submission:

Labcorp Genetics (formerly Invitae), Labcorp
Classification: Uncertain significance for DICER1-related tumor predisposition. Last evaluated: 2025-10-14. Review status: criteria provided, single submitter. Criteria: Invitae Variant Classification Sherloc (09022015). Collection method: clinical testing. Allele origin: germline.
Comment: This sequence change replaces glutamine, which is neutral and polar, with glutamic acid, which is acidic and polar, at codon 301 of the DICER1 protein (p.Gln301Glu). This variant is present in population databases (rs781144010, gnomAD 0.02%). This variant has not been reported in the literature in individuals affected with DICER1-related conditions. ClinVar contains an entry for this variant (Variation ID: 1366295). Invitae Evidence Modeling of protein sequence and biophysical properties (such as structural, functional, and spatial information, amino acid conservation, physicochemical variation, residue mobility, and thermodynamic stability) indicates that this missense variant is not expected to disrupt DICER1 protein function with a negative predictive value of 95%. In summary, the available evidence is currently insufficient to determine the role of this variant in disease. Therefore, it has been classified as a Variant of Uncertain Significance.